The following is an entry in ClinVar:

ClinVar aggregate classification (germline): Benign/Likely benign. Review status: criteria provided, multiple submitters, no conflicts (2 of 4 stars). 14 submissions from 13 submitters: Benign (10); Likely benign (2). 2 of the submissions do not count toward it. Last evaluated 2026-09-01.

Conditions:
Adams-Oliver syndrome 5 (AOS5). Identifiers: Orphanet 974, MedGen C4014970, MONDO:0014459, OMIM 616028.
Familial thoracic aortic aneurysm and aortic dissection (TAAD). Also called: Thoracic aortic aneurysms and dissections. Identifiers: Orphanet 91387, MedGen C4707243, MONDO:0019625.
Aortic valve disease 1 (AOVD1). Identifiers: MedGen C3887892, MONDO:0024523, OMIM 109730.

Allele frequency attached by ClinVar (database versions not stated): gnomAD exomes 0.00036 and 0.00085; ExAC 0.00112; ESP Exome Variant Server 0.00306; gnomAD 0.00311 and 0.00334; TOPMed 0.00356; 1000 Genomes Project 30x 0.00422; 1000 Genomes Project 0.00439.
gnomAD v4.1: 1,011 of 1,608,840 alleles (0.063%); highest among the groups gnomAD compares: African/African-American, 1.1%; 4 homozygotes.

Submissions (14):

CeGaT Center for Human Genetics Tuebingen
Classification: Likely benign. Last evaluated: 2026-09-01. Review status: criteria provided, single submitter. Criteria: CeGaT Center For Human Genetics Tuebingen Variant Classification Criteria Version 2. Collection method: clinical testing. Allele origin: germline. Affected: yes. Observed: 4 variant alleles.
Comment: NOTCH1: BP4, BP7, BS1

Labcorp Genetics (formerly Invitae), Labcorp
Classification: Benign for Adams-Oliver syndrome 5. Last evaluated: 2026-01-18. Review status: criteria provided, single submitter. Criteria: Invitae Variant Classification Sherloc (09022015). Collection method: clinical testing. Allele origin: germline.

ARUP Laboratories, Molecular Genetics and Genomics, ARUP Laboratories
Classification: Benign. Last evaluated: 2025-02-12. Review status: criteria provided, single submitter. Criteria: ARUP Molecular Germline Variant Investigation Process 2024. Collection method: clinical testing. Allele origin: germline.

Blueprint Genetics
Classification: Likely benign. Last evaluated: 2024-11-23. Review status: criteria provided, single submitter. Criteria: ACMG Guidelines, 2015. Collection method: clinical testing. Allele origin: germline.

Mayo Clinic Laboratories, Mayo Clinic
Classification: Benign. Last evaluated: 2023-09-15. Review status: criteria provided, single submitter. Criteria: ACMG Guidelines, 2015. Collection method: clinical testing. Allele origin: germline. Observed: 5 variant alleles.
Comment: BS1, BS2, BP4, BP7

Women's Health and Genetics/Laboratory Corporation of America, LabCorp
Classification: Benign. Last evaluated: 2023-07-21. Review status: criteria provided, single submitter. Criteria: LabCorp Variant Classification Summary - May 2015. Collection method: clinical testing. Allele origin: germline.

Genome-Nilou Lab
Classification: Benign for Adams-Oliver syndrome 5. Last evaluated: 2022-03-15. Review status: criteria provided, single submitter. Criteria: ACMG Guidelines, 2015. Collection method: clinical testing. Allele origin: germline. Affected: no.

Genome-Nilou Lab
Classification: Benign for Aortic valve disease 1. Last evaluated: 2022-03-15. Review status: criteria provided, single submitter. Criteria: ACMG Guidelines, 2015. Collection method: clinical testing. Allele origin: germline. Affected: no.

CHEO Genetics Diagnostic Laboratory, Children's Hospital of Eastern Ontario
Classification: Benign for Familial thoracic aortic aneurysm and aortic dissection. Last evaluated: 2017-05-12. Review status: criteria provided, single submitter. Criteria: ACMG Guidelines, 2015. Collection method: clinical testing. Allele origin: germline. Study: Canadian Open Genetics Repository.

GeneDx
Classification: Benign. Last evaluated: 2016-11-18. Review status: criteria provided, single submitter. Criteria: GeneDx Variant Classification (06012015). Collection method: clinical testing. Allele origin: germline. Affected: yes.
Comment: This variant is considered likely benign or benign based on one or more of the following criteria: it is a conservative change, it occurs at a poorly conserved position in the protein, it is predicted to be benign by multiple in silico algorithms, and/or has population frequency not consistent with disease.

Ambry Genetics
Classification: Benign for Familial thoracic aortic aneurysm and aortic dissection. Last evaluated: 2016-01-04. Review status: criteria provided, single submitter. Criteria: Ambry Variant Classification Scheme 2023. Collection method: clinical testing. Allele origin: germline.

Breakthrough Genomics
Classification: Benign. Review status: criteria provided, single submitter. Criteria: ACMG Guidelines, 2015. Collection method: not provided. Allele origin: germline. Inheritance: Autosomal dominant inheritance. Affected: yes.

Clinical Genetics DNA and cytogenetics Diagnostics Lab, Erasmus MC, Erasmus Medical Center
Classification: Benign. Review status: no assertion criteria provided. Collection method: clinical testing. Allele origin: germline. Affected: yes. Study: VKGL Data-share Consensus. Not counted in ClinVar's aggregate classification.

Joint Genome Diagnostic Labs from Nijmegen and Maastricht, Radboudumc and MUMC+
Classification: Likely benign. Review status: no assertion criteria provided. Collection method: clinical testing. Allele origin: germline. Affected: yes. Study: VKGL Data-share Consensus. Not counted in ClinVar's aggregate classification.

Literature cited by the submitters: PubMed 24943832 (cited by Women's Health and Genetics/Laboratory Corporation of America, LabCorp); PubMed 16614245 (cited by Women's Health and Genetics/Laboratory Corporation of America, LabCorp); PubMed 21670202 (cited by Women's Health and Genetics/Laboratory Corporation of America, LabCorp); PubMed 22210878 (cited by Women's Health and Genetics/Laboratory Corporation of America, LabCorp); PubMed 19635999 (cited by Women's Health and Genetics/Laboratory Corporation of America, LabCorp); PubMed 26837699 (cited by Women's Health and Genetics/Laboratory Corporation of America, LabCorp); PubMed 23086750 (cited by Women's Health and Genetics/Laboratory Corporation of America, LabCorp); PubMed 19245433 (cited by Women's Health and Genetics/Laboratory Corporation of America, LabCorp); PubMed 22077063 (cited by Women's Health and Genetics/Laboratory Corporation of America, LabCorp); PubMed 15472075 (cited by Women's Health and Genetics/Laboratory Corporation of America, LabCorp); PubMed 23734977 (cited by Women's Health and Genetics/Laboratory Corporation of America, LabCorp); PubMed 22858860 (cited by Women's Health and Genetics/Laboratory Corporation of America, LabCorp).

NM_017617.5(NOTCH1):c.5226C>T (p.Ala1742=)

Gene: NOTCH1 (notch receptor 1; minus strand). Cytogenetic location: 9q34.3.
Variant type: single nucleotide variant.
Coding change: c.5226C>T on transcript NM_017617.5 (MANE Select); coding-DNA position 5226, C replaced by T.
Protein change: p.Ala1742=; no amino-acid change (alanine 1742 retained).
Molecular consequence: synonymous variant.
Genome position (GRCh38, 1-based): chr9:136,502,430, G>A on the plus strand (C>T on the coding strand, the complement: NOTCH1 is on the minus strand). VCF-style: chr9-136502430-G-A. GRCh37 (hg19) VCF-style: chr9-139396882-G-A.
Other names: p.Ala1742=; c.5226C>T (NM_017617.4); c.5226C>T, p.Ala1742= (LRG_1122t1).
Identifiers: ClinVar variation 241148 (VCV000241148.34), dbSNP rs116316039, ClinGen allele CA5340352.